The following is an entry in ClinVar:

NM_002485.5(NBN):c.1083A>G (p.Thr361=)

Gene: NBN (nibrin; minus strand). Cytogenetic location: 8q21.3.
Variant type: single nucleotide variant.
Coding change: c.1083A>G on transcript NM_002485.5 (MANE Select); coding-DNA position 1083, A replaced by G.
Protein change: p.Thr361=; no amino-acid change (threonine 361 retained).
Molecular consequence: synonymous variant.
Genome position (GRCh38, 1-based): chr8:89,958,766, T>C on the plus strand (A>G on the coding strand, the complement: NBN is on the minus strand). VCF-style: chr8-89958766-T-C. GRCh37 (hg19) VCF-style: chr8-90970994-T-C.
Other names: c.837A>G, p.Thr279= (NM_001024688.3).
Identifiers: ClinVar variation 481860 (VCV000481860.21), dbSNP rs761042468, ClinGen allele CA4802807.

ClinVar aggregate classification (germline): Likely benign. Review status: criteria provided, multiple submitters, no conflicts (2 of 4 stars). 6 submissions from 6 submitters: Likely benign (6). Last evaluated 2025-12-27.

Conditions:
Acute lymphoid leukemia (ALL). Also called: Acute lymphoblastic leukemia; Acute lymphocytic leukemia; Lymphoblastic leukemia; Leukemia, acute lymphoblastic, somatic. Identifiers: Orphanet 513, MedGen C0023449, MONDO:0004967, OMIM 613065, HP:0006721.
Microcephaly, normal intelligence and immunodeficiency (NBS). Also called: IMMUNODEFICIENCY, MICROCEPHALY, AND CHROMOSOMAL INSTABILITY; SEEMANOVA SYNDROME II; Nijmegen breakage syndrome; Microcephaly with normal intelligence immunodeficiency and lymphoreticular malignancies; Nonsyndromal microcephaly autosomal recessive with normal intelligence; Seemanova syndrome 2. Identifiers: Orphanet 647, MedGen C0398791, MONDO:0009623, OMIM 251260.
Aplastic anemia. Identifiers: Orphanet 182040, Orphanet 88, MedGen C0002874, MONDO:0015909, OMIM 609135, HP:0001915.
Hereditary cancer-predisposing syndrome. Also called: Hereditary neoplastic syndrome; Neoplastic Syndromes, Hereditary; Tumor predisposition; Hereditary Cancer Syndrome. Identifiers: Orphanet 140162, MedGen C0027672, MeSH D009386, MONDO:0015356.

Allele frequency attached by ClinVar (database versions not stated): TOPMed below 0.00001; gnomAD exomes 0.00001 and 0.00004; ExAC 0.00002.
gnomAD v4.1: 8 of 1,614,146 alleles (0.0005%); highest among the groups gnomAD compares: East Asian, 0.018%; no homozygotes.

Submissions (6):

Labcorp Genetics (formerly Invitae), Labcorp
Classification: Likely benign for Microcephaly, normal intelligence and immunodeficiency. Last evaluated: 2025-12-27. Review status: criteria provided, single submitter. Criteria: Invitae Variant Classification Sherloc (09022015). Collection method: clinical testing. Allele origin: germline.

Quest Diagnostics Nichols Institute San Juan Capistrano
Classification: Likely benign. Last evaluated: 2025-02-18. Review status: criteria provided, single submitter. Criteria: Quest Diagnostics criteria. Collection method: clinical testing. Allele origin: unknown.

Ambry Genetics
Classification: Likely benign for Hereditary cancer-predisposing syndrome. Last evaluated: 2023-10-14. Review status: criteria provided, single submitter. Criteria: Ambry Variant Classification Scheme 2023. Collection method: clinical testing. Allele origin: germline.

Sema4
Classification: Likely benign for Hereditary cancer-predisposing syndrome. Last evaluated: 2022-01-25. Review status: criteria provided, single submitter. Criteria: Sema4 Curation Guidelines. Collection method: curation. Allele origin: germline.

Department of Pathology and Laboratory Medicine, Sinai Health System
Classification: Likely benign for Microcephaly, normal intelligence and immunodeficiency; Aplastic anemia; Acute lymphoid leukemia. Last evaluated: 2021-05-12. Review status: criteria provided, single submitter. Criteria: ACMG Guidelines, 2015. Collection method: clinical testing. Allele origin: germline. Affected: yes.

GeneDx
Classification: Likely benign. Last evaluated: 2017-03-15. Review status: criteria provided, single submitter. Criteria: GeneDx Variant Classification (06012015). Collection method: clinical testing. Allele origin: germline. Affected: yes.
Comment: This variant is considered likely benign or benign based on one or more of the following criteria: it is a conservative change, it occurs at a poorly conserved position in the protein, it is predicted to be benign by multiple in silico algorithms, and/or has population frequency not consistent with disease.

Literature cited by the submitters: PubMed 30287823 (cited by Quest Diagnostics Nichols Institute San Juan Capistrano and Department of Pathology and Laboratory Medicine, Sinai Health System); PubMed 36243179 (cited by Quest Diagnostics Nichols Institute San Juan Capistrano).